The following is an entry in ClinVar:

ClinVar aggregate classification (germline): Uncertain significance. Review status: criteria provided, multiple submitters, no conflicts (2 of 4 stars). 2 submissions from 2 submitters: Uncertain significance (2). Last evaluated 2025-07-22.

Conditions:
Duchenne muscular dystrophy (DMD). Also called: MUSCULAR DYSTROPHY, PSEUDOHYPERTROPHIC PROGRESSIVE, DUCHENNE TYPE; Duchenne Muscular Dystrophy (DMD). Identifiers: Orphanet 98896, MedGen C0013264, MONDO:0010679, OMIM 310200.

Submissions (2):

Labcorp Genetics (formerly Invitae), Labcorp
Classification: Uncertain significance for Duchenne muscular dystrophy. Last evaluated: 2025-07-22. Review status: criteria provided, single submitter. Criteria: Invitae Variant Classification Sherloc (09022015). Collection method: clinical testing. Allele origin: germline.
Comment: This sequence change replaces valine, which is neutral and non-polar, with leucine, which is neutral and non-polar, at codon 3410 of the DMD protein (p.Val3410Leu). This variant is not present in population databases (gnomAD no frequency). This variant has not been reported in the literature in individuals affected with DMD-related conditions. ClinVar contains an entry for this variant (Variation ID: 3617986). Invitae Evidence Modeling of protein sequence and biophysical properties (such as structural, functional, and spatial information, amino acid conservation, physicochemical variation, residue mobility, and thermodynamic stability) indicates that this missense variant is not expected to disrupt DMD protein function with a negative predictive value of 95%. In summary, the available evidence is currently insufficient to determine the role of this variant in disease. Therefore, it has been classified as a Variant of Uncertain Significance.

ARUP Laboratories, Molecular Genetics and Genomics, ARUP Laboratories
Classification: Uncertain significance. Last evaluated: 2024-12-18. Review status: criteria provided, single submitter. Criteria: ARUP Molecular Germline Variant Investigation Process 2024. Collection method: clinical testing. Allele origin: germline.
Comment: The DMD c.10228G>C; p.Val3410Leu variant (rs751030250), to our knowledge, is not reported in the medical literature or gene specific databases. This variant is also absent from the Genome Aggregation Database (v2.1.1), indicating it is not a common polymorphism. Computational analyses are uncertain whether this variant is neutral or deleterious (REVEL: 0.405). Due to limited information, the clinical significance of this variant is uncertain at this time.

NM_004006.3(DMD):c.10228G>C (p.Val3410Leu)

Gene: DMD (dystrophin; minus strand). Cytogenetic location: Xp21.2.
Variant type: single nucleotide variant.
Coding change: c.10228G>C on transcript NM_004006.3 (MANE Select); coding-DNA position 10228, G replaced by C.
Protein change: p.Val3410Leu; replaces valine 3410 with leucine.
Molecular consequence: missense variant. On other transcripts: intron variant (5).
Genome position (GRCh38, 1-based): chrX:31,177,966, C>G on the plus strand (G>C on the coding strand, the complement: DMD is on the minus strand). VCF-style: chrX-31177966-C-G. GRCh37 (hg19) VCF-style: chrX-31196083-C-G.
Other names: c.10204G>C, p.Val3402Leu (NM_000109.4); c.10216G>C, p.Val3406Leu (NM_004009.3); c.9859G>C, p.Val3287Leu (NM_004010.3); c.6205G>C, p.Val2069Leu (NM_004011.4); c.6196G>C, p.Val2066Leu (NM_004012.4); c.2848G>C, p.Val950Leu (NM_004013.3, NM_004021.3); c.2041G>C, p.Val681Leu (NM_004014.3); c.1024G>C, p.Val342Leu (NM_004015.3, NM_004016.3); and 2 more; short protein forms V2066L, V2069L, V3287L, V3402L, V3406L, V3410L, V342L, V681L.
Identifiers: ClinVar variation 3617986 (VCV003617986.3).